The following is an entry in ClinVar:

NM_000038.6(APC):c.6966G>C (p.Gln2322His)

Gene: APC (APC regulator of Wnt signaling pathway; plus strand). Cytogenetic location: 5q22.2.
Variant type: single nucleotide variant.
Coding change: c.6966G>C on transcript NM_000038.6 (MANE Select); coding-DNA position 6966, G replaced by C.
Protein change: p.Gln2322His; replaces glutamine 2322 with histidine.
Molecular consequence: missense variant.
Genome position (GRCh38, 1-based): chr5:112,842,560, G>C. VCF-style: chr5-112842560-G-C. GRCh37 (hg19) VCF-style: chr5-112178257-G-C.
Other names: c.6966G>C, p.Gln2322His (NM_001127510.3, NM_001354895.2); c.6912G>C, p.Gln2304His (NM_001127511.3); c.7020G>C, p.Gln2340His (NM_001354896.2); c.6996G>C, p.Gln2332His (NM_001354897.2); c.6891G>C, p.Gln2297His (NM_001354898.2); c.6882G>C, p.Gln2294His (NM_001354899.2); c.6843G>C, p.Gln2281His (NM_001354900.2); c.6789G>C, p.Gln2263His (NM_001354901.2); and 5 more; short protein forms Q2304H, Q2322H, Q2332H, Q2263H, Q2281H, Q2294H, Q2039H, Q2196H.
Identifiers: ClinVar variation 188241 (VCV000188241.28), dbSNP rs786204171, ClinGen allele CA012719.

ClinVar aggregate classification (germline): Uncertain significance. Review status: criteria provided, multiple submitters, no conflicts (2 of 4 stars). 9 submissions from 8 submitters: Uncertain significance (9). Last evaluated 2026-01-10.

Conditions:
Classic or attenuated familial adenomatous polyposis. Identifiers: MedGen CN372698, MONDO:0021057.
Hereditary cancer-predisposing syndrome. Also called: Neoplastic Syndromes, Hereditary; Tumor predisposition; Hereditary Cancer Syndrome; Hereditary neoplastic syndrome. Identifiers: Orphanet 140162, MedGen C0027672, MeSH D009386, MONDO:0015356.
Familial adenomatous polyposis 1 (FAP1). Also called: FAMILIAL ADENOMATOUS POLYPOSIS 1, ATTENUATED; POLYPOSIS, ADENOMATOUS INTESTINAL. Identifiers: MedGen C2713442, MONDO:0021056, OMIM 175100. Disease mechanism: loss of function.

Allele frequency attached by ClinVar (database versions not stated): TOPMed below 0.00001.

Submissions (9):

Labcorp Genetics (formerly Invitae), Labcorp
Classification: Uncertain significance for Familial adenomatous polyposis 1. Last evaluated: 2026-01-10. Review status: criteria provided, single submitter. Criteria: Invitae Variant Classification Sherloc (09022015). Collection method: clinical testing. Allele origin: germline.
Comment: This sequence change replaces glutamine, which is neutral and polar, with histidine, which is basic and polar, at codon 2322 of the APC protein (p.Gln2322His). This variant is not present in population databases (gnomAD no frequency). This missense change has been observed in individual(s) with an APC-related disease (PMID: 21520333). ClinVar contains an entry for this variant (Variation ID: 188241). Invitae Evidence Modeling of protein sequence and biophysical properties (such as structural, functional, and spatial information, amino acid conservation, physicochemical variation, residue mobility, and thermodynamic stability) indicates that this missense variant is not expected to disrupt APC protein function with a negative predictive value of 95%. In summary, the available evidence is currently insufficient to determine the role of this variant in disease. Therefore, it has been classified as a Variant of Uncertain Significance.

Color Diagnostics, LLC DBA Color Health
Classification: Uncertain significance for Hereditary cancer-predisposing syndrome. Last evaluated: 2025-01-28. Review status: criteria provided, single submitter. Criteria: ACMG Guidelines, 2015. Collection method: clinical testing. Allele origin: germline.
Comment: This missense variant replaces glutamine with histidine at codon 2322 of the APC protein. Computational prediction is inconclusive regarding the impact of this variant on protein structure and function (internally defined REVEL score threshold 0.5 < inconclusive < 0.7, PMID: 27666373). To our knowledge, functional studies have not been performed for this variant. This variant has been reported in an individual affected with breast or ovarian cancer from a high risk breast/ovarian cancer family (PMID: 27153395). This variant has not been identified in the general population by the Genome Aggregation Database (gnomAD). The available evidence is insufficient to determine the role of this variant in disease conclusively. Therefore, this variant is classified as a Variant of Uncertain Significance.

GeneDx
Classification: Uncertain significance. Last evaluated: 2024-10-23. Review status: criteria provided, single submitter. Criteria: GeneDx Variant Classification Process June 2021. Collection method: clinical testing. Allele origin: germline. Affected: yes.
Comment: Observed in an individual with a personal and/or family history of breast and/or ovarian cancer (PMID: 27153395); Not observed at significant frequency in large population cohorts (gnomAD); In silico analysis indicates that this missense variant does not alter protein structure/function; This variant is associated with the following publications: (PMID: 18199528, 27153395)

All of Us Research Program, National Institutes of Health
Classification: Uncertain significance for Classic or attenuated familial adenomatous polyposis. Last evaluated: 2024-02-05. Review status: criteria provided, single submitter. Criteria: ACMG Guidelines, 2015. Collection method: clinical testing. Allele origin: germline. Inheritance: Autosomal dominant inheritance. Observed: 3 variant alleles, 3 heterozygotes.
Comment: This missense variant replaces glutamine with histidine at codon 2322 of the APC protein. Computational prediction is inconclusive regarding the impact of this variant on protein structure and function (internally defined REVEL score threshold 0.5 < inconclusive < 0.7, PMID: 27666373). Splice site prediction tools suggest that this variant may not impact RNA splicing. To our knowledge, functional studies have not been performed for this variant. This variant has been reported in 1 individual affected with familial adenomatous polyposis in the Leiden Open-source Variation Database and breast/ovarian cancer family (PMID: 27153395). This variant has not been identified in the general population by the Genome Aggregation Database (gnomAD). The available evidence is insufficient to determine the role of this variant in disease conclusively. Therefore, this variant is classified as a Variant of Uncertain Significance.

This study involves interpretation of variants in research participants for the purpose of population health screening. Participant phenotype was not available at the time of variant classification. Additional details can be found in publication PMID: 35346344, PMCID: PMC8962531

Baylor Genetics
Classification: Uncertain significance for Familial adenomatous polyposis 1. Last evaluated: 2023-12-27. Review status: criteria provided, single submitter. Criteria: ACMG Guidelines, 2015. Collection method: clinical testing. Allele origin: unknown.

Ambry Genetics
Classification: Uncertain significance for Hereditary cancer-predisposing syndrome. Last evaluated: 2023-11-16. Review status: criteria provided, single submitter. Criteria: Ambry Variant Classification Scheme 2023. Collection method: clinical testing. Allele origin: germline.
Comment: The p.Q2322H variant (also known as c.6966G>C), located in coding exon 15 of the APC gene, results from a G to C substitution at nucleotide position 6966. The glutamine at codon 2322 is replaced by histidine, an amino acid with highly similar properties. This variant has been identified in at least one patient with a personal and family history of breast and/or ovarian cancer (Maxwell KN et al. Am. J. Hum. Genet., 2016 May;98:801-17).This amino acid position is highly conserved in available vertebrate species. In addition, in silico predictors for this gene do not accurately predict pathogenicity. Since supporting evidence is limited at this time, the clinical significance of this alteration remains unclear.

Sema4
Classification: Uncertain significance for Hereditary cancer-predisposing syndrome. Last evaluated: 2021-05-05. Review status: criteria provided, single submitter. Criteria: Sema4 Curation Guidelines. Collection method: curation. Allele origin: germline.
Comment: The APC c.6966G>C (p.Q2322H) variant has been reported in at least one individual with a personal and family history of breast/ovarian cancer (PMID: 27153395), but to the best of our knowledge has not been identified in any individuals with familial adenomatous polyposis. It was not observed in the large and broad cohorts of the Genome Aggregation Database. The variant has been reported in ClinVar (Variation ID 188241). In silico tools suggest the impact of the variant on protein function is inconclusive, though these predictions have not been confirmed by functional studies. The evidence is insufficient to meet ACMG/AMP criteria for classifying the variant as benign or pathogenic. Thus, the clinical significance of this variant is currently uncertain.

Baylor Genetics
Classification: Uncertain significance for Familial adenomatous polyposis 1. Last evaluated: 2021-01-30. Review status: criteria provided, single submitter. Criteria: ACMG Guidelines, 2015. Collection method: clinical testing. Allele origin: maternal. Affected: yes. Study: CSER-TexasKidsCanSeq.
Comment: This variant was determined to be of uncertain significance according to ACMG Guidelines, 2015 [PMID:25741868].

Women's Health and Genetics/Laboratory Corporation of America, LabCorp
Classification: Uncertain significance. Last evaluated: 2020-11-06. Review status: criteria provided, single submitter. Criteria: LabCorp Variant Classification Summary - May 2015. Collection method: clinical testing. Allele origin: germline.
Comment: Variant summary: APC c.6966G>C (p.Gln2322His) results in a non-conservative amino acid change located in the Adenomatous polyposis coli protein basic domain (IPR009234) of the encoded protein sequence. Four of five in-silico tools predict a damaging effect of the variant on protein function. The variant was absent in 250790 control chromosomes (gnomAD). The available data on variant occurrences in the general population are insufficient to allow any conclusion about variant significance. To our knowledge, no occurrence of c.6966G>C in individuals affected with Familial Adenomatous Polyposis and no experimental evidence demonstrating its impact on protein function have been reported. Three ClinVar submitters (evaluation after 2014) cite the variant as uncertain significance. Based on the evidence outlined above, the variant was classified as uncertain significance.

Literature cited by the submitters: PubMed 21520333 (cited by Labcorp Genetics (formerly Invitae), Labcorp); PubMed 27153395 (cited by 4 submitters).